The following is an entry in ClinVar:

NM_006279.5(ST3GAL3):c.494A>G (p.Asn165Ser)

Gene: ST3GAL3 (ST3 beta-galactoside alpha-2,3-sialyltransferase 3; plus strand). Cytogenetic location: 1p34.1.
Variant type: single nucleotide variant.
Coding change: c.494A>G on transcript NM_006279.5 (MANE Select); coding-DNA position 494, A replaced by G.
Protein change: p.Asn165Ser; replaces asparagine 165 with serine.
Molecular consequence: missense variant. On other transcripts: non-coding transcript variant (7), intron variant (4).
Genome position (GRCh38, 1-based): chr1:43,899,200, A>G. VCF-style: chr1-43899200-A-G. GRCh37 (hg19) VCF-style: chr1-44364872-A-G.
Other names: c.494A>G, p.Asn165Ser (NM_001270459.2, NM_001350620.2, NM_174966.4); c.401A>G, p.Asn134Ser (NM_001270460.2); c.446A>G, p.Asn149Ser (NM_001270461.3, NM_001270464.3, NM_174969.4); c.353A>G, p.Asn118Ser (NM_001270462.3); c.491A>G, p.Asn164Ser (NM_001270463.3, NM_001270465.3); c.539A>G, p.Asn180Ser (NM_001350619.2, NM_174964.4); c.215A>G, p.Asn72Ser (NM_001350621.2); c.656A>G, p.Asn219Ser (NM_001363573.2, NM_174968.5); and 6 more; short protein forms N149S, N180S, N203S, N118S, N219S, N134S, N234S, N72S.
Identifiers: ClinVar variation 1512699 (VCV001512699.9), dbSNP rs761710359, ClinGen allele CA814722.

ClinVar aggregate classification (germline): Uncertain significance (1 of 4 stars; one submission).

Conditions:
Early-infantile DEE. Also called: Early infantile epileptic encephalopathy; Ohtahara syndrome; Early infantile epileptic encephalopathy with suppression bursts. Identifiers: Orphanet 1934, MedGen C0393706, MONDO:0800491.

Allele frequency attached by ClinVar (database versions not stated): gnomAD exomes below 0.00001 and 0.00001; ExAC 0.00001; gnomAD 0.00001.
gnomAD v4.1: 6 of 1,614,010 alleles (0.00037%); highest among the groups gnomAD compares: African/African-American, 0.0013%; no homozygotes.

Submission:

Labcorp Genetics (formerly Invitae), Labcorp
Classification: Uncertain significance for Early-infantile DEE. Last evaluated: 2023-10-13. Review status: criteria provided, single submitter. Criteria: Invitae Variant Classification Sherloc (09022015). Collection method: clinical testing. Allele origin: germline.
Comment: This sequence change replaces asparagine, which is neutral and polar, with serine, which is neutral and polar, at codon 165 of the ST3GAL3 protein (p.Asn165Ser). This variant is present in population databases (rs761710359, gnomAD 0.004%). This variant has not been reported in the literature in individuals affected with ST3GAL3-related conditions. ClinVar contains an entry for this variant (Variation ID: 1512699). Advanced modeling of protein sequence and biophysical properties (such as structural, functional, and spatial information, amino acid conservation, physicochemical variation, residue mobility, and thermodynamic stability) performed at Invitae indicates that this missense variant is not expected to disrupt ST3GAL3 protein function. In summary, the available evidence is currently insufficient to determine the role of this variant in disease. Therefore, it has been classified as a Variant of Uncertain Significance.